The following is an entry in ClinVar:

NM_002336.3(LRP6):c.4377dup (p.Tyr1460fs)

Gene: LRP6 (LDL receptor related protein 6; minus strand). Cytogenetic location: 12p13.2.
Variant type: Duplication.
Coding change: c.4377dup on transcript NM_002336.3 (MANE Select); coding-DNA position 4377, one base duplicated (C; older notation c.4377dupC).
Protein change: p.Tyr1460fs; shifts the reading frame from tyrosine 1460.
Molecular consequence: frameshift variant.
Genome position (GRCh38, 1-based): chr12:12,125,368, G duplicated on the plus strand (C on the coding strand, the reverse complement: LRP6 is on the minus strand); the first of 6 consecutive G bases (chr12:12,125,368-12,125,373); duplicating any one gives the same sequence. VCF-style (leftmost placement, unchanged base first): chr12-12125367-A-AG. GRCh37 (hg19) VCF-style: chr12-12278301-A-AG.
Other names: c.4465dup, p.Tyr1491Leufs (NM_001414244.1); c.4372dup, p.Tyr1460Leufs (NM_001414245.1, NM_001414248.1, NM_001414249.1 and 1 more transcripts); c.4237dup, p.Tyr1415Leufs (NM_001414246.1); c.4174dup, p.Tyr1394Leufs (NM_001414247.1); c.4009dup, p.Tyr1339Leufs (NM_001414251.1); c.3919dup, p.Tyr1309Leufs (NM_001414252.1, NM_001414253.1, NM_001414254.1); c.3865dup, p.Tyr1291Leufs (NM_001414255.1); short protein forms Y1460fs.
Identifiers: ClinVar variation 1809638 (VCV001809638.3), dbSNP rs764620253, ClinGen allele CA6454967.

ClinVar aggregate classification (germline): Conflicting classifications of pathogenicity. Review status: criteria provided, conflicting classifications (1 of 4 stars). 2 submissions from 2 submitters: Likely pathogenic (1); Uncertain significance (1). Last evaluated 2025-08-13.

Submissions (2):

GeneDx
Classification: Likely pathogenic. Last evaluated: 2025-08-13. Review status: criteria provided, single submitter. Criteria: GeneDx Variant Classification Process June 2021. Collection method: clinical testing. Allele origin: germline. Affected: yes.
Comment: Identified in a patient with hydrocephalus in the published literature; however, additional clinical information was not provided (PMID: 36703223); Frameshift variant predicted to result in protein truncation or nonsense mediated decay in a gene for which loss of function is a known mechanism of disease; This variant is associated with the following publications: (PMID: 36703223)

Dubai Health Genomic Medicine Center, Dubai Health
Classification: Uncertain significance. Last evaluated: 2022-12-17. Review status: criteria provided, single submitter. Criteria: ACMG Guidelines, 2015. Collection method: clinical testing. Allele origin: germline. Affected: yes.